The following is an entry in ClinVar:

ClinVar aggregate classification (germline): Likely benign (1 of 4 stars; one submission).

Allele frequency attached by ClinVar (database versions not stated): gnomAD exomes 0.00079; gnomAD 0.00821; 1000 Genomes Project 0.00839; 1000 Genomes Project 30x 0.00874; TOPMed 0.00886.
gnomAD v4.1: 2,347 of 1,500,298 alleles (0.16%); highest among the groups gnomAD compares: African/African-American, 3%; 38 homozygotes.

Submission:

GeneDx
Classification: Likely benign. Last evaluated: 2019-02-18. Review status: criteria provided, single submitter. Criteria: GeneDx Variant Classification Process June 2021. Collection method: clinical testing. Allele origin: germline. Affected: yes.
Comment: See Variant Classification Assertion Criteria.

NM_000350.3(ABCA4):c.5715-107G>A

Gene: ABCA4 (ATP binding cassette subfamily A member 4; minus strand). Cytogenetic location: 1p22.1.
Variant type: single nucleotide variant.
Coding change: c.5715-107G>A on transcript NM_000350.3 (MANE Select); 107 bases into the intron before coding-DNA position 5715, G replaced by A.
Molecular consequence: intron variant.
Genome position (GRCh38, 1-based): chr1:94,008,978, C>T on the plus strand (G>A on the coding strand, the complement: ABCA4 is on the minus strand). VCF-style: chr1-94008978-C-T. GRCh37 (hg19) VCF-style: chr1-94474534-C-T.
Identifiers: ClinVar variation 1706974 (VCV001706974.2), dbSNP rs80115052, ClinGen allele CA26837372.
Genomic context (GRCh38, chr1:94,008,978, plus strand): 5'-TTGGCACTGTCCTTTCCATGGGACCTCTCTTCCACTTCCTTGCTTCTGCTTCCTTCTGGG[C>T]TTCCATCCTTTAAGACTTAAATTCTAAAAAGGGCTCCCAGCAGGAGAGGCATTAGGCATT-3'